The following is an entry in ClinVar:

NM_001303457.2(TTI1):c.922C>T (p.Leu308=)

Gene: TTI1 (TELO2 interacting protein 1; minus strand). Cytogenetic location: 20q11.23.
Variant type: single nucleotide variant.
Coding change: c.922C>T on transcript NM_001303457.2 (MANE Select); coding-DNA position 922, C replaced by T.
Protein change: p.Leu308=; no amino-acid change (leucine 308 retained).
Molecular consequence: synonymous variant.
Genome position (GRCh38, 1-based): chr20:38,012,895, G>A on the plus strand (C>T on the coding strand, the complement: TTI1 is on the minus strand). VCF-style: chr20-38012895-G-A. GRCh37 (hg19) VCF-style: chr20-36641297-G-A.
Other names: c.922C>T, p.Leu308= (NM_014657.3).
Identifiers: ClinVar variation 3898459 (VCV003898459.7).

ClinVar aggregate classification (germline): Likely benign (1 of 4 stars; one submission).

gnomAD v4.1: 5 of 1,614,184 alleles (0.00031%); highest among the groups gnomAD compares: Non-Finnish European, 0.00042%; no homozygotes.

Submission:

CeGaT Center for Human Genetics Tuebingen
Classification: Likely benign. Last evaluated: 2025-04-01. Review status: criteria provided, single submitter. Criteria: CeGaT Center For Human Genetics Tuebingen Variant Classification Criteria Version 2. Collection method: clinical testing. Allele origin: germline. Affected: yes. Observed: 1 variant allele.
Comment: TTI1: BP4, BP7